The following is an entry in ClinVar:

ClinVar aggregate classification (germline): Likely pathogenic. Review status: criteria provided, multiple submitters, no conflicts (2 of 4 stars). 3 submissions from 3 submitters: Likely pathogenic (3). Last evaluated 2024-01-03.

Conditions:
Craniofrontonasal syndrome (CFNS). Also called: CRANIOFRONTONASAL DYSOSTOSIS. Identifiers: Orphanet 1520, MedGen C0220767, MONDO:0010570, OMIM 304110.

Submissions (3):

Institute of Human Genetics, University of Leipzig Medical Center
Classification: Likely pathogenic for Craniofrontonasal syndrome. Last evaluated: 2024-01-03. Review status: criteria provided, single submitter. Criteria: ACMG Guidelines, 2015. Collection method: clinical testing. Allele origin: unknown. Inheritance: X-linked dominant inheritance. Affected: yes.
Comment: Criteria applied: PVS1,PM2_SUP

Labcorp Genetics (formerly Invitae), Labcorp
Classification: Likely pathogenic. Last evaluated: 2022-10-16. Review status: criteria provided, single submitter. Criteria: Invitae Variant Classification Sherloc (09022015). Collection method: clinical testing. Allele origin: germline.
Comment: Algorithms developed to predict the effect of sequence changes on RNA splicing suggest that this variant may disrupt the consensus splice site. ClinVar contains an entry for this variant (Variation ID: 1687181). Disruption of this splice site has been observed in individual(s) with clinical features of EFNB1-related conditions (Invitae). This variant is not present in population databases (gnomAD no frequency). This sequence change affects a donor splice site in intron 1 of the EFNB1 gene. It is expected to disrupt RNA splicing. Variants that disrupt the donor or acceptor splice site typically lead to a loss of protein function (PMID: 16199547), and loss-of-function variants in EFNB1 are known to be pathogenic (PMID: 15959873, 16685650). In summary, the currently available evidence indicates that the variant is pathogenic, but additional data are needed to prove that conclusively. Therefore, this variant has been classified as Likely Pathogenic.

3billion
Classification: Likely pathogenic for Craniofrontonasal syndrome. Last evaluated: 2022-05-22. Review status: criteria provided, single submitter. Criteria: ACMG Guidelines, 2015. Collection method: clinical testing. Allele origin: germline. Affected: yes. Observed: 1 heterozygote.
Comment: The variant is not observed in the gnomAD v2.1.1 dataset. Canonical splice site: predicted to alter splicing and result in a loss or disruption of normal protein function. Multiple pathogenic loss-of-function variants are reported downstream of the variant. Therefore, this variant is classified as likely pathogenic according to the recommendation of ACMG/AMP guideline.

Literature cited by the submitters: PubMed 16199547 (cited by Labcorp Genetics (formerly Invitae), Labcorp); PubMed 15959873 (cited by Labcorp Genetics (formerly Invitae), Labcorp); PubMed 16685650 (cited by Labcorp Genetics (formerly Invitae), Labcorp).

NM_004429.5(EFNB1):c.128+1G>C

Gene: EFNB1 (ephrin B1; plus strand). Cytogenetic location: Xq13.1.
Variant type: single nucleotide variant.
Coding change: c.128+1G>C on transcript NM_004429.5 (MANE Select); the canonical splice donor site of the intron after coding-DNA position 128, G replaced by C.
Molecular consequence: splice donor variant.
Genome position (GRCh38, 1-based): chrX:68,829,905, G>C. VCF-style: chrX-68829905-G-C. GRCh37 (hg19) VCF-style: chrX-68049748-G-C.
Identifiers: ClinVar variation 1687181 (VCV001687181.5), dbSNP rs2147973177, ClinGen allele CA413437241.